The following is an entry in ClinVar:

NM_000264.5(PTCH1):c.4129G>C (p.Val1377Leu)

Gene: PTCH1 (patched 1; minus strand). Cytogenetic location: 9q22.32.
Variant type: single nucleotide variant.
Coding change: c.4129G>C on transcript NM_000264.5 (MANE Select); coding-DNA position 4129, G replaced by C.
Protein change: p.Val1377Leu; replaces valine 1377 with leucine.
Molecular consequence: missense variant. On other transcripts: non-coding transcript variant (1).
Genome position (GRCh38, 1-based): chr9:95,447,127, C>G on the plus strand (G>C on the coding strand, the complement: PTCH1 is on the minus strand). VCF-style: chr9-95447127-C-G. GRCh37 (hg19) VCF-style: chr9-98209409-C-G.
Other names: c.3931G>C, p.Val1311Leu (NM_001083602.3); c.4126G>C, p.Val1376Leu (NM_001083603.3); c.3676G>C, p.Val1226Leu (NM_001083604.3, NM_001083605.3, NM_001083606.3 and 1 more transcripts); c.3973G>C, p.Val1325Leu (NM_001354918.2); short protein forms V1226L, V1311L, V1325L, V1376L, V1377L.
Identifiers: ClinVar variation 1005817 (VCV001005817.4), dbSNP rs745337014, ClinGen allele CA374110261.

ClinVar aggregate classification (germline): Uncertain significance. Review status: criteria provided, multiple submitters, no conflicts (2 of 4 stars). 2 submissions from 2 submitters: Uncertain significance (2). Last evaluated 2021-08-31.

Conditions:
Hereditary cancer-predisposing syndrome. Also called: Hereditary neoplastic syndrome; Neoplastic Syndromes, Hereditary; Tumor predisposition; Hereditary Cancer Syndrome. Identifiers: Orphanet 140162, MedGen C0027672, MeSH D009386, MONDO:0015356.
Gorlin syndrome. Also called: Nevoid Basal Cell Carcinoma Syndrome; Basal cell nevus syndrome. Identifiers: Orphanet 377, MedGen C0004779, MONDO:0007187.

Submissions (2):

Labcorp Genetics (formerly Invitae), Labcorp
Classification: Uncertain significance for Gorlin syndrome. Last evaluated: 2021-08-31. Review status: criteria provided, single submitter. Criteria: Invitae Variant Classification Sherloc (09022015). Collection method: clinical testing. Allele origin: germline.
Comment: This sequence change replaces valine with leucine at codon 1377 of the PTCH1 protein (p.Val1377Leu). The valine residue is moderately conserved and there is a small physicochemical difference between valine and leucine. This variant is not present in population databases (ExAC no frequency). This variant has not been reported in the literature in individuals affected with PTCH1-related conditions. Algorithms developed to predict the effect of missense changes on protein structure and function are either unavailable or do not agree on the potential impact of this missense change (SIFT: "Deleterious"; PolyPhen-2: "Possibly Damaging"; Align-GVGD: "Class C0"). In summary, the available evidence is currently insufficient to determine the role of this variant in disease. Therefore, it has been classified as a Variant of Uncertain Significance.

Ambry Genetics
Classification: Uncertain significance for Hereditary cancer-predisposing syndrome. Last evaluated: 2021-08-12. Review status: criteria provided, single submitter. Criteria: Ambry Variant Classification Scheme 2023. Collection method: clinical testing. Allele origin: germline.
Comment: The p.V1377L variant (also known as c.4129G>C), located in coding exon 23 of the PTCH1 gene, results from a G to C substitution at nucleotide position 4129. The valine at codon 1377 is replaced by leucine, an amino acid with highly similar properties. This amino acid position is highly conserved in available vertebrate species. In addition, this alteration is predicted to be deleterious by in silico analysis. Since supporting evidence is limited at this time, the clinical significance of this alteration remains unclear.